The following is an entry in ClinVar:

NM_001276270.2(MBD4):c.357A>G (p.Arg119=)

Gene: MBD4 (methyl-CpG binding domain 4, DNA glycosylase; minus strand). Cytogenetic location: 3q21.3.
Variant type: single nucleotide variant.
Coding change: c.357A>G on transcript NM_001276270.2 (MANE Select); coding-DNA position 357, A replaced by G.
Protein change: p.Arg119=; no amino-acid change (arginine 119 retained).
Molecular consequence: synonymous variant. On other transcripts: intron variant (1).
Genome position (GRCh38, 1-based): chr3:129,437,287, T>C on the plus strand (A>G on the coding strand, the complement: MBD4 is on the minus strand). VCF-style: chr3-129437287-T-C. GRCh37 (hg19) VCF-style: chr3-129156130-T-C.
Other names: c.357A>G, p.Arg119= (NM_001276271.2, NM_001276272.2, NM_003925.3); c.247+521A>G (NM_001276273.2).
Identifiers: ClinVar variation 4859617 (VCV004859617.1).

ClinVar aggregate classification (germline): Uncertain significance (1 of 4 stars; one submission).

Conditions:
Inborn genetic diseases. Identifiers: MedGen C0950123, MeSH D030342.

Submission:

Ambry Genetics
Classification: Uncertain significance for Inborn genetic diseases. Last evaluated: 2026-05-27. Review status: criteria provided, single submitter. Criteria: Ambry Variant Classification Scheme 2023. Collection method: clinical testing. Allele origin: germline.
Comment: The c.357A>G variant (also known as p.R119R), located in coding exon 3 of the MBD4 gene, results from an A to G substitution at nucleotide position 357. This nucleotide substitution does not change the arginine at codon 119. In silico splice site analysis for this alteration is inconclusive. Based on the available evidence, the clinical significance of this variant remains unclear.